The following is an entry in ClinVar:

NM_173660.5(DOK7):c.1483T>G (p.Cys495Gly)

Gene: DOK7 (docking protein 7; plus strand). Cytogenetic location: 4p16.3.
Variant type: single nucleotide variant.
Coding change: c.1483T>G on transcript NM_173660.5 (MANE Select); coding-DNA position 1483, T replaced by G.
Protein change: p.Cys495Gly; replaces cysteine 495 with glycine.
Molecular consequence: missense variant. On other transcripts: 3 prime UTR variant (1).
Genome position (GRCh38, 1-based): chr4:3,493,469, T>G. VCF-style: chr4-3493469-T-G. GRCh37 (hg19) VCF-style: chr4-3495196-T-G.
Other names: c.*704T>G (NM_001164673.2); c.553T>G, p.Cys185Gly (NM_001256896.2); c.1483T>G, p.Cys495Gly (NM_001301071.2); c.1051T>G, p.Cys351Gly (NM_001363811.2); short protein forms C351G, C185G, C495G.
Identifiers: ClinVar variation 1445611 (VCV001445611.8), dbSNP rs775074100, ClinGen allele CA2829546.
Genomic context (GRCh38, chr4:3,493,469, plus strand): 5'-TGGGAAGCAGGCGGCCCCCACGCGGGGCCACCCCCGGCTTTCTTTTCGGCATGTCCAGTC[T>G]GTGGAGGACTCAAGGTAAACCCCCCTCCTTGAGAGCCGCAGATCCCGCCCCGCGGCTGCA-3'
Protein context (NP_775931.3, residues 485-504): PPAFFSACPV[Cys495Gly]GGLKVNPPP

ClinVar aggregate classification (germline): Uncertain significance (1 of 4 stars; one submission).

Conditions:
Congenital myasthenic syndrome 10. Also called: Myasthenia, limb-girdle, familial. Identifiers: Orphanet 590, MedGen C1850792, MONDO:0009690, OMIM 254300.
Fetal akinesia deformation sequence 1 (FADS1). Also called: Fetal akinesia sequence; Pena-Shokeir syndrome type I. Identifiers: Orphanet 994, MedGen C1276035, MONDO:0100101, OMIM 208150, HP:0001989.

Allele frequency attached by ClinVar (database versions not stated): TOPMed 0.00001; ExAC 0.00006; gnomAD exomes 0.00006.
gnomAD v4.1: 15 of 1,611,040 alleles (0.00093%); highest among the groups gnomAD compares: Admixed American, 0.023%; no homozygotes.

Submission:

Labcorp Genetics (formerly Invitae), Labcorp
Classification: Uncertain significance for Congenital myasthenic syndrome 10; Fetal akinesia deformation sequence 1. Last evaluated: 2023-11-13. Review status: criteria provided, single submitter. Criteria: Invitae Variant Classification Sherloc (09022015). Collection method: clinical testing. Allele origin: germline.
Comment: This sequence change replaces cysteine, which is neutral and slightly polar, with glycine, which is neutral and non-polar, at codon 495 of the DOK7 protein (p.Cys495Gly). This variant is present in population databases (rs775074100, gnomAD 0.05%). This variant has not been reported in the literature in individuals affected with DOK7-related conditions. ClinVar contains an entry for this variant (Variation ID: 1445611). An algorithm developed to predict the effect of missense changes on protein structure and function (PolyPhen-2) suggests that this variant is likely to be disruptive. In summary, the available evidence is currently insufficient to determine the role of this variant in disease. Therefore, it has been classified as a Variant of Uncertain Significance.